The following is an entry in ClinVar:

ClinVar aggregate classification (germline): Uncertain significance (1 of 4 stars; one submission).

Allele frequency attached by ClinVar (database versions not stated): gnomAD exomes below 0.00001.

Submission:

Labcorp Genetics (formerly Invitae), Labcorp
Classification: Uncertain significance. Last evaluated: 2022-11-08. Review status: criteria provided, single submitter. Criteria: Invitae Variant Classification Sherloc (09022015). Collection method: clinical testing. Allele origin: germline.
Comment: In summary, the available evidence is currently insufficient to determine the role of this variant in disease. Therefore, it has been classified as a Variant of Uncertain Significance. Variants that disrupt the consensus splice site are a relatively common cause of aberrant splicing (PMID: 17576681, 9536098). Algorithms developed to predict the effect of sequence changes on RNA splicing suggest that this variant is not likely to affect RNA splicing. This variant has not been reported in the literature in individuals affected with ABCA1-related conditions. This variant is not present in population databases (gnomAD no frequency). This sequence change falls in intron 35 of the ABCA1 gene. It does not directly change the encoded amino acid sequence of the ABCA1 protein. It affects a nucleotide within the consensus splice site.

Literature cited by the submitters: PubMed 17576681; PubMed 9536098.

NM_005502.4(ABCA1):c.4774-3C>G

Gene: ABCA1 (ATP binding cassette subfamily A member 1; minus strand). Cytogenetic location: 9q31.1.
Variant type: single nucleotide variant.
Coding change: c.4774-3C>G on transcript NM_005502.4 (MANE Select); 3 bases into the intron before coding-DNA position 4774, C replaced by G.
Molecular consequence: intron variant.
Genome position (GRCh38, 1-based): chr9:104,799,991, G>C on the plus strand (C>G on the coding strand, the complement: ABCA1 is on the minus strand). VCF-style: chr9-104799991-G-C. GRCh37 (hg19) VCF-style: chr9-107562272-G-C.
Identifiers: ClinVar variation 1918018 (VCV001918018.5), dbSNP rs538201738, ClinGen allele CA197363005.